The following is an entry in ClinVar:

NC_012920.1(MT-ATP6):m.8870T>C

Gene: MT-ATP6 (mitochondrially encoded ATP synthase 6; plus strand).
Variant type: single nucleotide variant.
Genome position: chrM-8870-T-C.
Identifiers: ClinVar variation 693010 (VCV000693010.1), dbSNP rs1556423560, ClinGen allele CA414798608.
Genomic context (GRCh38, chrMT:8,870, plus strand): 5'-CCACCCAACTATCTATAAACCTAGCCATGGCCATCCCCTTATGAGCGGGCACAGTGATTA[T>C]AGGCTTTCGCTCTAAGATTAAAAATGCCCTAGCCCACTTCTTACCACAAGGCACACCTAC-3'

ClinVar aggregate classification (germline): Benign (1 of 4 stars; one submission).

Conditions:
Leigh syndrome (NULS). Also called: Leigh's necrotizing encephalopathy; Leigh's disease; Leigh Syndrome (mtDNA deletion); Leigh Disease; Subacute necrotizing encephalopathy; Necrotizing encephalopathy infantile subacute of Leigh. Identifiers: Orphanet 506, MedGen C2931891, MONDO:0009723, OMIM 256000.

Submission:

Wong Mito Lab, Molecular and Human Genetics, Baylor College of Medicine
Classification: Benign for Leigh syndrome. Last evaluated: 2019-10-17. Review status: criteria provided, single submitter. Criteria: Modified ACMG Guidelines (Unpublished). Collection method: clinical testing. Allele origin: germline.
Comment: The NC_012920.1:m.8870T>C (YP_003024031.1:p.Met115Thr) variant in MTATP6 gene is interpretated to be a Benign variant based on the modified ACMG guidelines (unpublished). This variant meets the following evidence codes: BS1, BS2, BP4